The following is an entry in ClinVar:

ClinVar aggregate classification (germline): Likely benign. Review status: criteria provided, multiple submitters, no conflicts (2 of 4 stars). 2 submissions from 2 submitters: Likely benign (2). Last evaluated 2021-06-24.

Conditions:
Hereditary spastic paraplegia 31. Also called: SPASTIC PARAPLEGIA 31, AUTOSOMAL DOMINANT. Identifiers: Orphanet 101011, MedGen C1853247, MONDO:0012453, OMIM 610250.

Allele frequency attached by ClinVar (database versions not stated): 1000 Genomes Project 0.01018; 1000 Genomes Project 30x 0.01031; gnomAD 0.01082 and 0.01166; TOPMed 0.01190.

Submissions (2):

GeneDx
Classification: Likely benign. Last evaluated: 2021-06-24. Review status: criteria provided, single submitter. Criteria: GeneDx Variant Classification Process June 2021. Collection method: clinical testing. Allele origin: germline. Affected: yes.

Illumina Laboratory Services, Illumina
Classification: Likely benign for Hereditary spastic paraplegia 31. Last evaluated: 2017-04-27. Review status: criteria provided, single submitter. Criteria: ICSL Variant Classification Criteria 13 December 2019. Collection method: clinical testing. Allele origin: germline.
Comment: This variant was observed as part of a predisposition screen in an ostensibly healthy population. A literature search was performed for the gene, cDNA change, and amino acid change (where applicable). No publications were found based on this search. Allele frequency data from public databases allowed determination this variant is unlikely to cause disease. Therefore, this variant is classified as likely benign.

NM_001371279.1(REEP1):c.*2131G>A

Gene: REEP1 (receptor accessory protein 1; minus strand). Cytogenetic location: 2p11.2.
Variant type: single nucleotide variant.
Coding change: c.*2131G>A on transcript NM_001371279.1 (MANE Select); 2131 bases downstream of the stop codon, G replaced by A.
Molecular consequence: 3 prime UTR variant.
Genome position (GRCh38, 1-based): chr2:86,214,908, C>T on the plus strand (G>A on the coding strand, the complement: REEP1 is on the minus strand). VCF-style: chr2-86214908-C-T. GRCh37 (hg19) VCF-style: chr2-86442031-C-T.
Other names: c.*2192G>A (NM_001164730.2, NM_001164731.2, NM_022912.3); c.*2131G>A (NM_001164732.2, NM_001371280.1).
Identifiers: ClinVar variation 337358 (VCV000337358.6), dbSNP rs58401741, ClinGen allele CA10614579.
Genomic context (GRCh38, chr2:86,214,908, plus strand): 5'-GCGCTTCAAACTTTTTTTGGCATAGTTAAGTGCAAACTTGATAACCTGTACTTGTCACAA[C>T]TCTCCATTGTAAAATGGCGAAAATATAGGTTGTTCACGATAGGATTTTAAACTGCTGCTA-3'